The following is an entry in ClinVar:

NM_001172303.3(MASTL):c.2125C>T (p.Gln709Ter)

Gene: MASTL (microtubule associated serine/threonine kinase like; plus strand). Cytogenetic location: 10p12.1.
Variant type: single nucleotide variant.
Coding change: c.2125C>T on transcript NM_001172303.3 (MANE Select); coding-DNA position 2125, C replaced by T.
Protein change: p.Gln709Ter; replaces glutamine 709 with a stop codon.
Molecular consequence: nonsense. On other transcripts: intron variant (3).
Genome position (GRCh38, 1-based): chr10:27,173,118, C>T. VCF-style: chr10-27173118-C-T. GRCh37 (hg19) VCF-style: chr10-27462047-C-T.
Other names: p.Gln709*; c.2125C>T (NM_001320757.1); c.2125C>T, p.Gln709Ter (NM_001320757.2); c.1642C>T, p.Gln548Ter (NM_001372029.1, NM_001372030.1); c.2125-3C>T (NM_001320756.2, NM_032844.5, NM_001172304.3); short protein forms Q548*, Q709*.
Identifiers: ClinVar variation 3379959 (VCV003379959.2).

ClinVar aggregate classification (germline): Uncertain significance. Review status: criteria provided, multiple submitters, no conflicts (2 of 4 stars). 2 submissions from 2 submitters: Uncertain significance (2). Last evaluated 2026-04-17.

Conditions:
MASTL-related disorder. Also called: MASTL-related condition.

gnomAD v4.1: 69 of 1,613,558 alleles (0.0043%); highest among the groups gnomAD compares: Non-Finnish European, 0.0057%; no homozygotes.

Submissions (2):

PreventionGenetics, part of Exact Sciences
Classification: Uncertain significance for MASTL-related condition. Last evaluated: 2026-04-17. Review status: criteria provided, single submitter. Criteria: ACMG Guidelines, 2015. Collection method: clinical testing. Allele origin: germline.
Comment: The MASTL c.2125C>T variant is predicted to result in premature protein termination (p.Gln709*). This variant has been reported in a cohort study of congenital heart disease (Table S7, Jin et al. 2017. PubMed ID: 28991257). This variant is reported in 0.0065% of alleles in individuals of European (Non-Finnish) descent in gnomAD. Loss of function has not been conclusively established as a mechanism for MASTL-related disorders. At this time, the clinical significance of this variant is uncertain due to the absence of conclusive functional and genetic evidence.

Mayo Clinic Laboratories, Mayo Clinic
Classification: Uncertain significance. Last evaluated: 2024-09-24. Review status: criteria provided, single submitter. Criteria: ACMG Guidelines, 2015. Collection method: clinical testing. Allele origin: germline. Observed: 1 variant allele.

Literature cited by the submitters: PubMed 26023681 (cited by Mayo Clinic Laboratories, Mayo Clinic); PubMed 28991257 (cited by Mayo Clinic Laboratories, Mayo Clinic).